The following is an entry in ClinVar:

NM_001040716.2(PC):c.2591dup (p.Asn864fs)

Gene: PC (pyruvate carboxylase; minus strand). Cytogenetic location: 11q13.2.
Variant type: Duplication.
Coding change: c.2591dup on transcript NM_001040716.2 (MANE Select); coding-DNA position 2591, one base duplicated (A; older notation c.2591dupA).
Protein change: p.Asn864fs; shifts the reading frame from asparagine 864.
Molecular consequence: frameshift variant.
Genome position (GRCh38, 1-based): chr11:66,850,347, T duplicated on the plus strand (A on the coding strand, the reverse complement: PC is on the minus strand); the first of 4 consecutive T bases (chr11:66,850,347-66,850,350); duplicating any one gives the same sequence. VCF-style (leftmost placement, unchanged base first): chr11-66850346-A-AT. GRCh37 (hg19) VCF-style: chr11-66617817-A-AT.
Other names: c.2591dup, p.Asn864fs (NM_000920.4, NM_022172.3); short protein forms N864fs.
Identifiers: ClinVar variation 1725949 (VCV001725949.2), dbSNP rs2495425632, ClinGen allele CA2580084574.

ClinVar aggregate classification (germline): Likely pathogenic (1 of 4 stars; one submission).

Conditions:
Pyruvate carboxylase deficiency. Also called: ATAXIA WITH LACTIC ACIDOSIS II; LEIGH NECROTIZING ENCEPHALOPATHY DUE TO PYRUVATE CARBOXYLASE DEFICIENCY; LEIGH SYNDROME DUE TO PYRUVATE CARBOXYLASE DEFICIENCY; PC DEFICIENCY; Pyruvate Carboxylase Deficiency Disease. Identifiers: Orphanet 3008, MedGen C0034341, MONDO:0009949, OMIM 266150.

Submission:

Myriad Genetics, Inc.
Classification: Likely pathogenic for Pyruvate carboxylase deficiency. Last evaluated: 2021-12-08. Review status: criteria provided, single submitter. Criteria: Myriad Women's Health Autosomal Recessive and X-Linked Classification Criteria (2021). Collection method: clinical testing. Allele origin: unknown.
Comment: NM_000920.3(PC):c.2591dupA(N864Kfs*2) is expected to be pathogenic in the context of pyruvate carboxylase deficiency. This variant is predicted to lead to an abnormal or absent protein product due to the creation of a premature termination codon in PC, a gene where loss-of-function variants are known to be pathogenic. Please note: this variant was assessed in the context of healthy population screening.